The following is an entry in ClinVar:

ClinVar aggregate classification (germline): Uncertain significance (1 of 4 stars; one submission).

Conditions:
Tuberous sclerosis 2 (TSC2). Identifiers: Orphanet 805, MedGen C1860707, MONDO:0013199, OMIM 613254.

Submission:

Labcorp Genetics (formerly Invitae), Labcorp
Classification: Uncertain significance for Tuberous sclerosis 2. Last evaluated: 2023-07-30. Review status: criteria provided, single submitter. Criteria: Invitae Variant Classification Sherloc (09022015). Collection method: clinical testing. Allele origin: germline.
Comment: This sequence change replaces phenylalanine, which is neutral and non-polar, with leucine, which is neutral and non-polar, at codon 1501 of the TSC2 protein (p.Phe1501Leu). This variant is not present in population databases (gnomAD no frequency). This variant has not been reported in the literature in individuals affected with TSC2-related conditions. Advanced modeling of protein sequence and biophysical properties (such as structural, functional, and spatial information, amino acid conservation, physicochemical variation, residue mobility, and thermodynamic stability) performed at Invitae indicates that this missense variant is not expected to disrupt TSC2 protein function. In summary, the available evidence is currently insufficient to determine the role of this variant in disease. Therefore, it has been classified as a Variant of Uncertain Significance.

NM_000548.5(TSC2):c.4503C>G (p.Phe1501Leu)

Gene: TSC2 (TSC complex subunit 2; plus strand). Cytogenetic location: 16p13.3.
Variant type: single nucleotide variant.
Coding change: c.4503C>G on transcript NM_000548.5 (MANE Select); coding-DNA position 4503, C replaced by G.
Protein change: p.Phe1501Leu; replaces phenylalanine 1501 with leucine.
Molecular consequence: missense variant. On other transcripts: non-coding transcript variant (5).
Genome position (GRCh38, 1-based): chr16:2,084,960, C>G. VCF-style: chr16-2084960-C-G. GRCh37 (hg19) VCF-style: chr16-2134961-C-G.
Other names: c.4302C>G, p.Phe1434Leu (NM_001077183.3); c.4434C>G, p.Phe1478Leu (NM_001114382.3); c.4194C>G, p.Phe1398Leu (NM_001318827.2); c.4158C>G, p.Phe1386Leu (NM_001318829.2); c.3771C>G, p.Phe1257Leu (NM_001318831.2); c.4335C>G, p.Phe1445Leu (NM_001318832.2); c.4305C>G, p.Phe1435Leu (NM_001363528.2); c.4371C>G, p.Phe1457Leu (NM_001370404.1); and 26 more; short protein forms F1281L, F1385L, F1386L, F1428L, F1458L, F1464L, F1478L, F1009L.
Identifiers: ClinVar variation 2784848 (VCV002784848.3), dbSNP rs778332133, ClinGen allele CA394302722.